The following is an entry in ClinVar:

NM_004527.4(MEOX1):c.254A>C (p.His85Pro)

Gene: MEOX1 (mesenchyme homeobox 1; minus strand). Cytogenetic location: 17q21.31.
Variant type: single nucleotide variant.
Coding change: c.254A>C on transcript NM_004527.4 (MANE Select); coding-DNA position 254, A replaced by C.
Protein change: p.His85Pro; replaces histidine 85 with proline.
Molecular consequence: missense variant. On other transcripts: 5 prime UTR variant (1).
Genome position (GRCh38, 1-based): chr17:43,661,281, T>G on the plus strand (A>C on the coding strand, the complement: MEOX1 is on the minus strand). VCF-style: chr17-43661281-T-G. GRCh37 (hg19) VCF-style: chr17-41738649-T-G.
Other names: c.-92A>C (NM_001040002.2); c.254A>C, p.His85Pro (NM_013999.4); c.254A>C (NM_004527.3); short protein forms H85P.
Identifiers: ClinVar variation 1438115 (VCV001438115.6), dbSNP rs570852762, ClinGen allele CA8592674.
Genomic context (GRCh38, chr17:43,661,281, plus strand): 5'-GGCCTGCGCCGGGCGTCTGAGACAGGGAAGTGCCAGTTGGGGGACTGTGGGAAAGCGGGG[T>G]GCTGCTCAGTGAAGATGTGCTCCTCCTGGGGCAGGCTGTGTGGGGTGGCTGCCAGGCAGG-3'
Protein context (NP_004518.1, residues 75-95): PQEEHIFTEQ[His85Pro]PAFPQSPNWH

ClinVar aggregate classification (germline): Uncertain significance. Review status: criteria provided, multiple submitters, no conflicts (2 of 4 stars). 2 submissions from 2 submitters: Uncertain significance (2). Last evaluated 2022-08-22.

Conditions:
Inborn genetic diseases. Identifiers: MedGen C0950123, MeSH D030342.

Allele frequency attached by ClinVar (database versions not stated): gnomAD 0.00001 and 0.00002; gnomAD exomes 0.00002 and 0.00010; TOPMed 0.00007; ExAC 0.00008; 1000 Genomes Project 30x 0.00016; 1000 Genomes Project 0.00020.
gnomAD v4.1: 35 of 1,609,322 alleles (0.0022%); highest among the groups gnomAD compares: Admixed American, 0.055%; no homozygotes.

Submissions (2):

Labcorp Genetics (formerly Invitae), Labcorp
Classification: Uncertain significance. Last evaluated: 2022-08-22. Review status: criteria provided, single submitter. Criteria: Invitae Variant Classification Sherloc (09022015). Collection method: clinical testing. Allele origin: germline.
Comment: This sequence change replaces histidine, which is basic and polar, with proline, which is neutral and non-polar, at codon 85 of the MEOX1 protein (p.His85Pro). This variant is present in population databases (rs570852762, gnomAD 0.08%). This variant has not been reported in the literature in individuals affected with MEOX1-related conditions. ClinVar contains an entry for this variant (Variation ID: 1438115). Algorithms developed to predict the effect of missense changes on protein structure and function (SIFT, PolyPhen-2, Align-GVGD) all suggest that this variant is likely to be tolerated. In summary, the available evidence is currently insufficient to determine the role of this variant in disease. Therefore, it has been classified as a Variant of Uncertain Significance.

Ambry Genetics
Classification: Uncertain significance for Inborn genetic diseases. Last evaluated: 2021-09-16. Review status: criteria provided, single submitter. Criteria: Ambry Variant Classification Scheme 2023. Collection method: clinical testing. Allele origin: germline.